The following is an entry in ClinVar:

NM_000059.4(BRCA2):c.6689T>C (p.Ile2230Thr)

Gene: BRCA2 (BRCA2 DNA repair associated; plus strand). Cytogenetic location: 13q13.1.
Variant type: single nucleotide variant.
Coding change: c.6689T>C on transcript NM_000059.4 (MANE Select); coding-DNA position 6689, T replaced by C.
Protein change: p.Ile2230Thr; replaces isoleucine 2230 with threonine.
Molecular consequence: missense variant.
Genome position (GRCh38, 1-based): chr13:32,341,044, T>C. VCF-style: chr13-32341044-T-C. GRCh37 (hg19) VCF-style: chr13-32915181-T-C.
Other names: short protein forms I2230T.
Identifiers: ClinVar variation 236894 (VCV000236894.9), dbSNP rs878853598, ClinGen allele CA10583122.

ClinVar aggregate classification (germline): Conflicting classifications of pathogenicity. Review status: criteria provided, conflicting classifications (1 of 4 stars). 3 submissions from 3 submitters: Uncertain significance (2); Likely benign (1). Last evaluated 2024-06-22.

Conditions:
Hereditary cancer-predisposing syndrome. Also called: Hereditary neoplastic syndrome; Hereditary Cancer Syndrome; Neoplastic Syndromes, Hereditary; Tumor predisposition. Identifiers: Orphanet 140162, MedGen C0027672, MeSH D009386, MONDO:0015356.
Hereditary breast ovarian cancer syndrome. Also called: BRCA1- and BRCA2-Associated Hereditary Breast and Ovarian Cancer; Hereditary breast and ovarian cancer syndrome; Hereditary breast and ovarian cancer; Hereditary breast and ovarian cancer syndrome (HBOC); Breast and ovarian cancer; Hereditary breast and/or ovarian cancer syndrome. Identifiers: Orphanet 145, MedGen C0677776, MeSH D061325, MONDO:0003582. Disease mechanism: loss of function.

Submissions (3):

Ambry Genetics
Classification: Uncertain significance for Hereditary cancer-predisposing syndrome. Last evaluated: 2024-06-22. Review status: criteria provided, single submitter. Criteria: Ambry Variant Classification Scheme 2023. Collection method: clinical testing. Allele origin: germline.
Comment: The p.I2230T variant (also known as c.6689T>C), located in coding exon 10 of the BRCA2 gene, results from a T to C substitution at nucleotide position 6689. The isoleucine at codon 2230 is replaced by threonine, an amino acid with similar properties. This amino acid position is conserved. In addition, the in silico prediction for this alteration is inconclusive. Based on the available evidence, the clinical significance of this variant remains unclear.

University of Washington Department of Laboratory Medicine, University of Washington
Classification: Likely benign for Hereditary cancer-predisposing syndrome. Last evaluated: 2023-03-23. Review status: criteria provided, single submitter. Criteria: Dines et al. (Genet Med. 2020). Collection method: curation. Allele origin: germline.
Comment: Missense variant in a coldspot region where missense variants are very unlikely to be pathogenic (PMID:31911673).

BRCA2 exon 11 coldspot. Reclassification based on statistical prior probability.

Labcorp Genetics (formerly Invitae), Labcorp
Classification: Uncertain significance for Hereditary breast ovarian cancer syndrome. Last evaluated: 2022-02-09. Review status: criteria provided, single submitter. Criteria: Invitae Variant Classification Sherloc (09022015). Collection method: clinical testing. Allele origin: germline.
Comment: In summary, the available evidence is currently insufficient to determine the role of this variant in disease. Therefore, it has been classified as a Variant of Uncertain Significance. Advanced modeling of protein sequence and biophysical properties (such as structural, functional, and spatial information, amino acid conservation, physicochemical variation, residue mobility, and thermodynamic stability) performed at Invitae indicates that this missense variant is not expected to disrupt BRCA2 protein function. ClinVar contains an entry for this variant (Variation ID: 236894). This variant has not been reported in the literature in individuals affected with BRCA2-related conditions. This variant is not present in population databases (gnomAD no frequency). This sequence change replaces isoleucine, which is neutral and non-polar, with threonine, which is neutral and polar, at codon 2230 of the BRCA2 protein (p.Ile2230Thr).